The following is an entry in ClinVar:

NM_001386298.1(CIC):c.1415C>G (p.Thr472Arg)

Gene: CIC (capicua transcriptional repressor; plus strand). Cytogenetic location: 19q13.2.
Variant type: single nucleotide variant.
Coding change: c.1415C>G on transcript NM_001386298.1 (MANE Select); coding-DNA position 1415, C replaced by G.
Protein change: p.Thr472Arg; replaces threonine 472 with arginine.
Molecular consequence: missense variant.
Genome position (GRCh38, 1-based): chr19:42,273,198, C>G. VCF-style: chr19-42273198-C-G. GRCh37 (hg19) VCF-style: chr19-42777350-C-G.
Other names: c.1415C>G, p.Thr472Arg (NM_001304815.2, NM_001379480.1, NM_001379482.1 and 6 more transcripts); short protein forms T472R.
Identifiers: ClinVar variation 4085447 (VCV004085447.8).
Genomic context (GRCh38, chr19:42,273,198, plus strand): 5'-GCCGCAGCAGCAGCGTGGCCTCCCTGGAAAAGGGGACAGCACCGGCAGCCCGGGCCCGCA[C>G]GCCACTGACAGCCGCCCAGCAGAAGTACAAGAAGGGCGATGTGGTCTGCACACCCAGCGG-3'
Protein context (NP_001373227.1, residues 462-482): KGTAPAARAR[Thr472Arg]PLTAAQQKYK

ClinVar aggregate classification (germline): Uncertain significance (1 of 4 stars; one submission).

Submission:

CeGaT Center for Human Genetics Tuebingen
Classification: Uncertain significance. Last evaluated: 2025-07-01. Review status: criteria provided, single submitter. Criteria: CeGaT Center For Human Genetics Tuebingen Variant Classification Criteria Version 2. Collection method: clinical testing. Allele origin: germline. Affected: yes. Observed: 1 variant allele.
Comment: CIC: PM2